The following is an entry in ClinVar:

ClinVar aggregate classification (germline): Likely pathogenic (1 of 4 stars; one submission).

Conditions:
Primary ciliary dyskinesia 10. Also called: CILIARY DYSKINESIA, PRIMARY, 10, WITH OR WITHOUT SITUS INVERSUS. Identifiers: Orphanet 244, MedGen C2675867, MONDO:0012918, OMIM 612518.

Submission:

Juno Genomics, Hangzhou Juno Genomics, Inc
Classification: Likely pathogenic for Primary ciliary dyskinesia 10. Review status: criteria provided, single submitter. Criteria: ACMG Guidelines, 2015. Collection method: clinical testing. Allele origin: germline.
Comment: Absent from controls (or at extremely low frequency if recessive) in Genome Aggregation Database.;Null variant in a gene where loss of function (LOF) is a known mechanism of disease.

NM_018139.3(DNAAF2):c.1931_1934del (p.Lys644fs)

Gene: DNAAF2 (dynein axonemal assembly factor 2; minus strand). Cytogenetic location: 14q21.3.
Variant type: Deletion.
Coding change: c.1931_1934del on transcript NM_018139.3 (MANE Select); coding-DNA positions 1931 to 1934, 4 bases deleted (AACA; older notation c.1931_1934delAACA).
Protein change: p.Lys644fs; shifts the reading frame from lysine 644.
Molecular consequence: frameshift variant. On other transcripts: intron variant (2).
Genome position (GRCh38, 1-based): chr14:49,628,085-49,628,088, TGTT deleted on the plus strand (AACA on the coding strand, the reverse complement: DNAAF2 is on the minus strand); deleting any 4 consecutive bases within chr14:49,628,085-49,628,090 gives the same sequence; the c. name uses the placement nearest the transcript's 3' end. VCF-style (leftmost placement, unchanged base first): chr14-49628084-CTGTT-C. GRCh37 (hg19) VCF-style: chr14-50094802-CTGTT-C.
Other names: c.1864-2040_1864-2037del (NM_001083908.2); c.-204-2040_-204-2037del (NM_001378453.1); short protein forms K644fs.
Identifiers: ClinVar variation 5018570 (VCV005018570.2).
Genomic context (GRCh38, chr14:49,628,084, plus strand): 5'-TTGAATCTTATTATCAGTAACTTGAAGAACTTCAATTAATGGTGGGGTCAAGGACATAGA[CTGTT>C]TGAATGGAGAGCTCAGGACCTCTTCAAGAAACTCATTAACATTTTCTTCATTGACAAATA-3'